The following is an entry in ClinVar:

ClinVar aggregate classification (germline): Uncertain significance. Review status: criteria provided, multiple submitters, no conflicts (2 of 4 stars). 2 submissions from 2 submitters: Uncertain significance (2). Last evaluated 2024-03-24.

Conditions:
Genitopatellar syndrome (GTPTS). Also called: Genitopatellar syndrome (GPS); ABSENT PATELLAE, SCROTAL HYPOPLASIA, RENAL ANOMALIES, FACIAL DYSMORPHISM, AND MENTAL RETARDATION. Identifiers: Orphanet 85201, MedGen C1853566, MONDO:0011640, OMIM 606170.
Blepharophimosis - intellectual disability syndrome, SBBYS type (SBBYSS). Also called: Say-Barber-Biesecker-Young-Simpson variant of Ohdo Syndrome; Say-Barber-Biesecker Variant of Ohdo Syndrome; Young Simpson syndrome; Mental retardation unusual facies hypothyroidism; Say-Barber-Biesecker variant of Ohdo syndrome (SBBYSS); Ohdo syndrome, SBBYS variant. Identifiers: Orphanet 3047, MedGen C1863557, MONDO:0011365, OMIM 603736.

Submissions (2):

Fulgent Genetics
Classification: Uncertain significance for Blepharophimosis - intellectual disability syndrome, SBBYS type; Genitopatellar syndrome. Last evaluated: 2024-03-24. Review status: criteria provided, single submitter. Criteria: ACMG Guidelines, 2015. Collection method: clinical testing. Allele origin: germline.

Labcorp Genetics (formerly Invitae), Labcorp
Classification: Uncertain significance for Genitopatellar syndrome. Last evaluated: 2023-03-27. Review status: criteria provided, single submitter. Criteria: Invitae Variant Classification Sherloc (09022015). Collection method: clinical testing. Allele origin: germline.
Comment: This sequence change replaces proline, which is neutral and non-polar, with serine, which is neutral and polar, at codon 404 of the KAT6B protein (p.Pro404Ser). This variant is not present in population databases (gnomAD no frequency). This variant has not been reported in the literature in individuals affected with KAT6B-related conditions. An algorithm developed to predict the effect of missense changes on protein structure and function (PolyPhen-2) suggests that this variant is likely to be disruptive. In summary, the available evidence is currently insufficient to determine the role of this variant in disease. Therefore, it has been classified as a Variant of Uncertain Significance.

NM_012330.4(KAT6B):c.1210C>T (p.Pro404Ser)

Gene: KAT6B (lysine acetyltransferase 6B; plus strand). Cytogenetic location: 10q22.2.
Variant type: single nucleotide variant.
Coding change: c.1210C>T on transcript NM_012330.4 (MANE Select); coding-DNA position 1210, C replaced by T.
Protein change: p.Pro404Ser; replaces proline 404 with serine.
Molecular consequence: missense variant. On other transcripts: intron variant (11).
Genome position (GRCh38, 1-based): chr10:74,975,547, C>T. VCF-style: chr10-74975547-C-T. GRCh37 (hg19) VCF-style: chr10-76735305-C-T.
Other names: c.1210C>T, p.Pro404Ser (NM_001256468.2, NM_001370136.1, NM_001370137.1 and 1 more transcripts); c.1117+93C>T (NM_001370139.1, NM_001370140.1, NM_001370141.1 and 3 more transcripts); c.846+5772C>T (NM_001370133.1); c.193-3677C>T (NM_001370134.1); c.929-1769C>T (NM_001370143.1, NM_001370144.1); c.193-13472C>T (NM_001370135.1); short protein forms P404S.
Identifiers: ClinVar variation 2850281 (VCV002850281.4), dbSNP rs2548951794, ClinGen allele CA377285326.